The following is an entry in ClinVar:

NM_000481.4(AMT):c.1106A>G (p.Tyr369Cys)

Gene: AMT (aminomethyltransferase; minus strand). Cytogenetic location: 3p21.31.
Variant type: single nucleotide variant.
Coding change: c.1106A>G on transcript NM_000481.4 (MANE Select); coding-DNA position 1106, A replaced by G.
Protein change: p.Tyr369Cys; replaces tyrosine 369 with cysteine.
Molecular consequence: missense variant. On other transcripts: non-coding transcript variant (1).
Genome position (GRCh38, 1-based): chr3:49,417,646, T>C on the plus strand (A>G on the coding strand, the complement: AMT is on the minus strand). VCF-style: chr3-49417646-T-C. GRCh37 (hg19) VCF-style: chr3-49455079-T-C.
Other names: c.974A>G, p.Tyr325Cys (NM_001164710.2); c.938A>G, p.Tyr313Cys (NM_001164711.2); c.1106A>G, p.Tyr369Cys (NM_001164712.2); short protein forms Y313C, Y325C, Y369C.
Identifiers: ClinVar variation 2637479 (VCV002637479.1), dbSNP rs760178260, ClinGen allele CA2398142.

ClinVar aggregate classification (germline): Uncertain significance (1 of 4 stars; one submission).

Allele frequency attached by ClinVar (database versions not stated): gnomAD exomes below 0.00001; TOPMed below 0.00001; ExAC 0.00001; gnomAD 0.00001.
gnomAD v4.1: 2 of 1,614,022 alleles (0.00012%); highest among the groups gnomAD compares: East Asian, 0.0022%; no homozygotes.

Submission:

Women's Health and Genetics/Laboratory Corporation of America, LabCorp
Classification: Uncertain significance. Last evaluated: 2023-10-26. Review status: criteria provided, single submitter. Criteria: LabCorp Variant Classification Summary - May 2015. Collection method: clinical testing. Allele origin: germline.
Comment: Variant summary: AMT c.1106A>G (p.Tyr369Cys) results in a non-conservative amino acid change in the encoded protein sequence. Three of five in-silico tools predict a damaging effect of the variant on protein function. The variant allele was found at a frequency of 4e-06 in 251428 control chromosomes (gnomAD). The available data on variant occurrences in the general population are insufficient to allow any conclusion about variant significance. To our knowledge, no occurrence of c.1106A>G in individuals affected with Glycine Encephalopathy (Non-Ketotic Hyperglycinemia) and no experimental evidence demonstrating its impact on protein function have been reported. No submitters have cited clinical-significance assessments for this variant to ClinVar after 2014. Based on the evidence outlined above, the variant was classified as uncertain significance.